The following is an entry in ClinVar:

ClinVar aggregate classification (germline): Uncertain significance (1 of 4 stars; one submission).

Conditions:
Rothmund-Thomson syndrome type 3. Also called: Short stature with microcephaly and distinctive facies. Identifiers: MedGen C4014339, MONDO:0014347, OMIM 615789.

Submission:

Juno Genomics, Hangzhou Juno Genomics, Inc
Classification: Uncertain significance for Rothmund-Thomson syndrome type 3. Review status: criteria provided, single submitter. Criteria: ACMG Guidelines, 2015. Collection method: clinical testing. Allele origin: germline.
Comment: Absent from controls (or at extremely low frequency if recessive) in Genome Aggregation Database.;Protein length changes due to in-frame deletions/insertions in a non-repeat region or stop-loss variants.

NM_014171.6(CRIPT):c.117_134del (p.Leu40_Ala45del)

Gene: CRIPT (CXXC repeat containing interactor of PDZ3 domain; plus strand). Cytogenetic location: 2p21.
Variant type: Deletion.
Coding change: c.117_134del on transcript NM_014171.6 (MANE Select); coding-DNA positions 117 to 134, 18 bases deleted (TTTGACTTCAAAAAAAGC).
Protein change: p.Leu40_Ala45del.
Molecular consequence: inframe deletion.
Genome position (GRCh38, 1-based): chr2:46,619,661-46,619,678, TTTGACTTCAAAAAAAGC deleted; deleting any 18 consecutive bases within chr2:46,619,656-46,619,678 gives the same sequence; the c. name uses the placement nearest the transcript's 3' end. VCF-style (leftmost placement, unchanged base first): chr2-46619655-TAAAGCTTTGACTTCAAAA-T. GRCh37 (hg19) VCF-style: chr2-46846794-TAAAGCTTTGACTTCAAAA-T.
Identifiers: ClinVar variation 5006297 (VCV005006297.2).
Genomic context (GRCh38, chr2:46,619,655, plus strand): 5'-AACCCACTAAAATATCTTTTATTCTGATACAGAAAGTGGTGGAAGAAAGCTGAATGAAAA[TAAAGCTTTGACTTCAAAA>T]AAAGCAAGGTGGGTAAGAGGATCCATCGATGGGTCACATAAATTTCCTTCTTTTAGTATT-3'